The following is an entry in ClinVar:

NM_001378615.1(CC2D2A):c.1041C>T (p.Asp347=)

Genes: CC2D2A (coiled-coil and C2 domain containing 2A; plus strand), FBXL5 (F-box and leucine rich repeat protein 5; minus strand). Cytogenetic location: 4p15.32.
Variant type: single nucleotide variant.
Coding change: c.1041C>T on transcript NM_001378615.1 (MANE Select); coding-DNA position 1041, C replaced by T.
Protein change: p.Asp347=; no amino-acid change (aspartic acid 347 retained).
Molecular consequence: synonymous variant.
Genome position (GRCh38, 1-based): chr4:15,516,648, C>T. VCF-style: chr4-15516648-C-T. GRCh37 (hg19) VCF-style: chr4-15518271-C-T.
Other names: c.1041C>T, p.Asp347= (NM_001080522.2); c.894C>T, p.Asp298= (NM_001378617.1).
Identifiers: ClinVar variation 166802 (VCV000166802.48), dbSNP rs371086728, ClinGen allele CA233625.

ClinVar aggregate classification (germline): Conflicting classifications of pathogenicity. Review status: criteria provided, conflicting classifications (1 of 4 stars). 9 submissions from 8 submitters: Uncertain significance (4); Benign (1); Likely benign (3). 1 of the submissions does not count toward it. Last evaluated 2026-01-25.

Conditions:
Joubert syndrome. Also called: JOUBERT-BOLTSHAUSER SYNDROME; Familial aplasia of the vermis. Identifiers: Orphanet 475, MedGen C5979921, MONDO:0018772.
Meckel-Gruber syndrome. Also called: DYSENCEPHALIA SPLANCHNOCYSTICA; GRUBER SYNDROME; Dysencephalia splachnocystica. Identifiers: Orphanet 564, MedGen C0265215, MONDO:0018921.
Retinal dystrophy. Also called: Inherited retinal dystrophy. Identifiers: Orphanet 71862, MedGen C0854723, MeSH D058499, MONDO:0019118, HP:0000556.
Meckel syndrome, type 6. Identifiers: Orphanet 564, MedGen C2676790, MONDO:0012848, OMIM 612284.
Joubert syndrome 9 (JBTS9). Identifiers: Orphanet 2318, MedGen C2676788, MONDO:0012849, OMIM 612285.

Allele frequency attached by ClinVar (database versions not stated): gnomAD 0.00056 and 0.00064; TOPMed 0.00062; 1000 Genomes Project 0.00080; gnomAD exomes 0.00089; ESP Exome Variant Server 0.00091; 1000 Genomes Project 30x 0.00109; ExAC 0.00116.
gnomAD v4.1: 1,076 of 1,612,664 alleles (0.067%); highest among the groups gnomAD compares: South Asian, 0.3%; 1 homozygote.

Submissions (9):

Labcorp Genetics (formerly Invitae), Labcorp
Classification: Benign for Joubert syndrome; Meckel-Gruber syndrome. Last evaluated: 2026-01-25. Review status: criteria provided, single submitter. Criteria: Invitae Variant Classification Sherloc (09022015). Collection method: clinical testing. Allele origin: germline.

CeGaT Center for Human Genetics Tuebingen
Classification: Likely benign. Last evaluated: 2025-05-01. Review status: criteria provided, single submitter. Criteria: CeGaT Center For Human Genetics Tuebingen Variant Classification Criteria Version 2. Collection method: clinical testing. Allele origin: germline. Affected: yes. Observed: 4 variant alleles.
Comment: CC2D2A: BP4, BP7

Blueprint Genetics
Classification: Likely benign. Last evaluated: 2024-11-25. Review status: criteria provided, single submitter. Criteria: ACMG Guidelines, 2015. Collection method: clinical testing. Allele origin: germline.

GeneDx
Classification: Likely benign. Last evaluated: 2020-03-07. Review status: criteria provided, single submitter. Criteria: GeneDx Variant Classification Process June 2021. Collection method: clinical testing. Allele origin: germline. Affected: yes.

Eurofins Ntd Llc (ga)
Classification: Uncertain significance. Last evaluated: 2018-07-16. Review status: criteria provided, single submitter. Criteria: EGL ClinVar v180209 classification definitions. Collection method: clinical testing. Allele origin: germline. Observed: 6 variant alleles, 6 heterozygotes.

Illumina Laboratory Services, Illumina
Classification: Uncertain significance for Meckel syndrome, type 6. Last evaluated: 2018-01-12. Review status: criteria provided, single submitter. Criteria: ICSL Variant Classification Criteria 13 December 2019. Collection method: clinical testing. Allele origin: germline.

Illumina Laboratory Services, Illumina
Classification: Uncertain significance for Joubert syndrome 9. Last evaluated: 2018-01-12. Review status: criteria provided, single submitter. Criteria: ICSL Variant Classification Criteria 13 December 2019. Collection method: clinical testing. Allele origin: germline.

Centre for Mendelian Genomics, University Medical Centre Ljubljana
Classification: Uncertain significance for Joubert syndrome 9. Last evaluated: 2016-01-01. Review status: criteria provided, single submitter. Criteria: ACMG Guidelines, 2015. Collection method: clinical testing. Allele origin: unknown. Affected: yes.
Comment: This variant was classified as: Uncertain significance. The following ACMG criteria were applied in classifying this variant: PM2,PP3,PP4.

Institute of Human Genetics, Univ. Regensburg, Univ. Regensburg
Classification: Uncertain significance for Retinal dystrophy. Last evaluated: 2023-01-01. Review status: no assertion criteria provided. Criteria: ACMG Guidelines, 2015. Collection method: clinical testing. Allele origin: germline. Affected: yes. Not counted in ClinVar's aggregate classification.